The following is an entry in ClinVar:

ClinVar aggregate classification (germline): Likely benign. Review status: criteria provided, multiple submitters, no conflicts (2 of 4 stars). 4 submissions from 4 submitters: Likely benign (4). Last evaluated 2026-05-01.

Conditions:
Idiopathic Pulmonary Fibrosis. Also called: Idiopathic fibrosing alveolitis, chronic form; idiopathic fibrosing alveolitis. Identifiers: Orphanet 2032, MedGen C1800706, MeSH D054990, MONDO:0800504.
Dyskeratosis congenita, autosomal dominant 2. Identifiers: MedGen C3151443, MONDO:0013521, OMIM 613989.
Dyskeratosis congenita. Identifiers: Orphanet 1775, MedGen C0265965, MONDO:0015780.

Allele frequency attached by ClinVar (database versions not stated): gnomAD 0.00001; TOPMed 0.00002; gnomAD exomes 0.00003 and 0.00004; ExAC 0.00005; ESP Exome Variant Server 0.00008.

Submissions (4):

CeGaT Center for Human Genetics Tuebingen
Classification: Likely benign. Last evaluated: 2026-05-01. Review status: criteria provided, single submitter. Criteria: CeGaT Center For Human Genetics Tuebingen Variant Classification Criteria Version 2. Collection method: clinical testing. Allele origin: germline. Affected: yes. Observed: 1 variant allele.
Comment: TERT: BP4, BP7

Labcorp Genetics (formerly Invitae), Labcorp
Classification: Likely benign for Dyskeratosis congenita, autosomal dominant 2; Idiopathic Pulmonary Fibrosis. Last evaluated: 2025-09-08. Review status: criteria provided, single submitter. Criteria: Invitae Variant Classification Sherloc (09022015). Collection method: clinical testing. Allele origin: germline.

Blueprint Genetics
Classification: Likely benign. Last evaluated: 2024-09-02. Review status: criteria provided, single submitter. Criteria: ACMG Guidelines, 2015. Collection method: clinical testing. Allele origin: germline.

Ambry Genetics
Classification: Likely benign for Dyskeratosis congenita. Last evaluated: 2022-04-11. Review status: criteria provided, single submitter. Criteria: Ambry Variant Classification Scheme 2023. Collection method: clinical testing. Allele origin: germline.

NM_198253.3(TERT):c.2688C>T (p.Cys896=)

Gene: TERT (telomerase reverse transcriptase; minus strand). Cytogenetic location: 5p15.33.
Variant type: single nucleotide variant.
Coding change: c.2688C>T on transcript NM_198253.3 (MANE Select); coding-DNA position 2688, C replaced by T.
Protein change: p.Cys896=; no amino-acid change (cysteine 896 retained).
Molecular consequence: synonymous variant. On other transcripts: intron variant (1).
Genome position (GRCh38, 1-based): chr5:1,264,559, G>A on the plus strand (C>T on the coding strand, the complement: TERT is on the minus strand). VCF-style: chr5-1264559-G-A. GRCh37 (hg19) VCF-style: chr5-1264674-G-A.
Other names: c.2654+1905C>T (NM_001193376.3).
Identifiers: ClinVar variation 696098 (VCV000696098.16), dbSNP rs373952421, ClinGen allele CA3184416.